The following is an entry in ClinVar:

ClinVar aggregate classification (germline): Conflicting classifications of pathogenicity. Review status: criteria provided, conflicting classifications (1 of 4 stars). 3 submissions from 3 submitters: Uncertain significance (2); Likely benign (1). Last evaluated 2025-10-17.

Conditions:
Hereditary cancer-predisposing syndrome. Also called: Neoplastic Syndromes, Hereditary; Tumor predisposition; Hereditary neoplastic syndrome; Hereditary Cancer Syndrome. Identifiers: Orphanet 140162, MedGen C0027672, MeSH D009386, MONDO:0015356.
Hereditary nonpolyposis colorectal neoplasms. Identifiers: MedGen C0009405, MeSH D003123.

Allele frequency attached by ClinVar (database versions not stated): ExAC 0.00001.
gnomAD v4.1: 2 of 1,614,182 alleles (0.00012%); highest among the groups gnomAD compares: Non-Finnish European, 0.00017%; no homozygotes.

Submissions (3):

Labcorp Genetics (formerly Invitae), Labcorp
Classification: Likely benign for Hereditary nonpolyposis colorectal neoplasms. Last evaluated: 2025-10-17. Review status: criteria provided, single submitter. Criteria: Invitae Variant Classification Sherloc (09022015). Collection method: clinical testing. Allele origin: germline.

Color Diagnostics, LLC DBA Color Health
Classification: Uncertain significance for Hereditary cancer-predisposing syndrome. Last evaluated: 2024-03-06. Review status: criteria provided, single submitter. Criteria: ACMG Guidelines, 2015. Collection method: clinical testing. Allele origin: germline.
Comment: This missense variant replaces serine with arginine at codon 241 of the MSH6 protein. Computational prediction suggests that this variant may not impact protein structure and function (internally defined REVEL score threshold <= 0.5, PMID: 27666373). To our knowledge, functional studies have not been reported for this variant. This variant has not been reported in individuals affected with MSH6-related disorders in the literature. This variant has been identified in 1/251080 chromosomes in the general population by the Genome Aggregation Database (gnomAD). The available evidence is insufficient to determine the role of this variant in disease conclusively. Therefore, this variant is classified as a Variant of Uncertain Significance.

Ambry Genetics
Classification: Uncertain significance for Hereditary cancer-predisposing syndrome. Last evaluated: 2023-03-05. Review status: criteria provided, single submitter. Criteria: Ambry Variant Classification Scheme 2023. Collection method: clinical testing. Allele origin: germline.
Comment: The p.S241R variant (also known as c.721A>C), located in coding exon 4 of the MSH6 gene, results from an A to C substitution at nucleotide position 721. The serine at codon 241 is replaced by arginine, an amino acid with dissimilar properties. This amino acid position is conserved. In addition, the in silico prediction for this alteration is inconclusive. Since supporting evidence is limited at this time, the clinical significance of this alteration remains unclear.

NM_000179.3(MSH6):c.721A>C (p.Ser241Arg)

Gene: MSH6 (mutS homolog 6; plus strand). Cytogenetic location: 2p16.3.
Variant type: single nucleotide variant.
Coding change: c.721A>C on transcript NM_000179.3 (MANE Select); coding-DNA position 721, A replaced by C.
Protein change: p.Ser241Arg; replaces serine 241 with arginine.
Molecular consequence: missense variant. On other transcripts: 5 prime UTR variant (9), non-coding transcript variant (4), intron variant (1).
Genome position (GRCh38, 1-based): chr2:47,798,704, A>C. VCF-style: chr2-47798704-A-C. GRCh37 (hg19) VCF-style: chr2-48025843-A-C.
Other names: c.331A>C, p.Ser111Arg (NM_001281492.2); c.-186A>C (NM_001281493.2, NM_001281494.2, NM_001406811.1 and 6 more transcripts); c.817A>C, p.Ser273Arg (NM_001406795.1, NM_001406802.1); c.721A>C, p.Ser241Arg (NM_001406796.1, NM_001406798.1, NM_001406800.1 and 4 more transcripts); c.424A>C, p.Ser142Arg (NM_001406797.1, NM_001406801.1, NM_001406805.1 and 10 more transcripts); c.196A>C, p.Ser66Arg (NM_001406799.1, NM_001406806.1, NM_001406807.1); c.643A>C, p.Ser215Arg (NM_001406804.1); c.727A>C, p.Ser243Arg (NM_001406813.1); and 2 more; short protein forms S273R, S243R, S111R, S142R, S185R, S215R, S241R, S66R.
Identifiers: ClinVar variation 2453215 (VCV002453215.5), dbSNP rs769962086, ClinGen allele CA073379.